The following is an entry in ClinVar:

NM_000719.7(CACNA1C):c.6340G>A (p.Ala2114Thr)

Genes: CACNA1C (calcium voltage-gated channel subunit alpha1 C; plus strand), CACNA1C-AS1 (CACNA1C antisense RNA 1; minus strand). Cytogenetic location: 12p13.33.
Variant type: single nucleotide variant.
Coding change: c.6340G>A on transcript NM_000719.7 (MANE Select); coding-DNA position 6340, G replaced by A.
Protein change: p.Ala2114Thr; replaces alanine 2114 with threonine.
Molecular consequence: missense variant. On other transcripts: non-coding transcript variant (1).
Genome position (GRCh38, 1-based): chr12:2,691,122, G>A. VCF-style: chr12-2691122-G-A. GRCh37 (hg19) VCF-style: chr12-2800288-G-A.
Other names: c.6484G>A, p.Ala2162Thr (NM_001129827.2); c.6463G>A, p.Ala2155Thr (NM_001129829.2); c.6445G>A, p.Ala2149Thr (NM_001129830.3, NM_001167624.3); c.6424G>A, p.Ala2142Thr (NM_001129831.2); c.6400G>A, p.Ala2134Thr (NM_001129832.2); c.6397G>A, p.Ala2133Thr (NM_001129833.2, NM_001129834.2, NM_001129835.2); c.6391G>A, p.Ala2131Thr (NM_001129836.2); c.6364G>A, p.Ala2122Thr (NM_001129837.2, NM_001129838.2); and 6 more; short protein forms A2103T, A2111T, A2114T, A2120T, A2122T, A2131T, A2133T, A2134T.
Identifiers: ClinVar variation 3338746 (VCV003338746.1).

ClinVar aggregate classification (germline): Uncertain significance (1 of 4 stars; one submission).

Submission:

GeneDx
Classification: Uncertain significance. Last evaluated: 2023-09-12. Review status: criteria provided, single submitter. Criteria: GeneDx Variant Classification Process June 2021. Collection method: clinical testing. Allele origin: germline. Affected: yes.
Comment: Not observed at significant frequency in large population cohorts (gnomAD); In silico analysis supports that this missense variant does not alter protein structure/function; Has not been previously published as pathogenic or benign to our knowledge